The following is an entry in ClinVar:

NM_025099.6(CTC1):c.26C>A (p.Pro9His)

Genes: PFAS (phosphoribosylformylglycinamidine synthase; plus strand), CTC1 (CST telomere replication complex component 1; minus strand). Cytogenetic location: 17p13.1.
Variant type: single nucleotide variant.
Coding change: c.26C>A on transcript NM_025099.6 (MANE Select); coding-DNA position 26, C replaced by A.
Protein change: p.Pro9His; replaces proline 9 with histidine.
Molecular consequence: missense variant. On other transcripts: non-coding transcript variant (1).
Genome position (GRCh38, 1-based): chr17:8,248,011, G>T on the plus strand (C>A on the coding strand, the complement: CTC1 is on the minus strand). VCF-style: chr17-8248011-G-T. GRCh37 (hg19) VCF-style: chr17-8151329-G-T.
Other names: short protein forms P9H.
Identifiers: ClinVar variation 1379945 (VCV001379945.5), dbSNP rs377386669, ClinGen allele CA287546651.

ClinVar aggregate classification (germline): Uncertain significance (1 of 4 stars; one submission).

Conditions:
Dyskeratosis congenita. Identifiers: Orphanet 1775, MedGen C0265965, MONDO:0015780.

Allele frequency attached by ClinVar (database versions not stated): TOPMed below 0.00001.
gnomAD v4.1: 17 of 1,610,774 alleles (0.0011%); highest among the groups gnomAD compares: Non-Finnish European, 0.0014%; no homozygotes.

Submission:

Labcorp Genetics (formerly Invitae), Labcorp
Classification: Uncertain significance for Dyskeratosis congenita. Last evaluated: 2024-10-17. Review status: criteria provided, single submitter. Criteria: Invitae Variant Classification Sherloc (09022015). Collection method: clinical testing. Allele origin: germline.
Comment: This sequence change replaces proline, which is neutral and non-polar, with histidine, which is basic and polar, at codon 9 of the CTC1 protein (p.Pro9His). This variant is not present in population databases (gnomAD no frequency). This variant has not been reported in the literature in individuals affected with CTC1-related conditions. ClinVar contains an entry for this variant (Variation ID: 1379945). An algorithm developed to predict the effect of missense changes on protein structure and function outputs the following: PolyPhen-2: "Benign". The histidine amino acid residue is found in multiple mammalian species, which suggests that this missense change does not adversely affect protein function. In summary, the available evidence is currently insufficient to determine the role of this variant in disease. Therefore, it has been classified as a Variant of Uncertain Significance.